The following is an entry in ClinVar:

ClinVar aggregate classification (germline): Uncertain significance (1 of 4 stars; one submission).

gnomAD v4.1: 2 of 1,613,896 alleles (0.00012%); highest among the groups gnomAD compares: Non-Finnish European, 0.000085%; no homozygotes.

Submission:

Women's Health and Genetics/Laboratory Corporation of America, LabCorp
Classification: Uncertain significance. Last evaluated: 2024-06-07. Review status: criteria provided, single submitter. Criteria: LabCorp Variant Classification Summary - May 2015. Collection method: clinical testing. Allele origin: germline.
Comment: Variant summary: KMT2A c.6599C>T (p.Thr2200Ile) results in a non-conservative amino acid change in the encoded protein sequence. Four of five in-silico tools predict a damaging effect of the variant on protein function. The variant was absent in 249134 control chromosomes (gnomAD). The available data on variant occurrences in the general population are insufficient to allow any conclusion about variant significance. To our knowledge, no occurrence of c.6599C>T in individuals affected with Wiedemann-Steiner Syndrome has been reported. At least one publication reports experimental evidence evaluating an impact on protein function (Chang_2021), however, does not allow convincing conclusions about the variant effect. No submitters have cited clinical-significance assessments for this variant to ClinVar. Based on the evidence outlined above, the variant was classified as uncertain significance.

Literature cited by the submitters: PubMed 33853832.

NM_001197104.2(KMT2A):c.6599C>T (p.Thr2200Ile)

Gene: KMT2A (lysine methyltransferase 2A; plus strand). Cytogenetic location: 11q23.3.
Variant type: single nucleotide variant.
Coding change: c.6599C>T on transcript NM_001197104.2 (MANE Select); coding-DNA position 6599, C replaced by T.
Protein change: p.Thr2200Ile; replaces threonine 2200 with isoleucine.
Molecular consequence: missense variant.
Genome position (GRCh38, 1-based): chr11:118,502,491, C>T. VCF-style: chr11-118502491-C-T. GRCh37 (hg19) VCF-style: chr11-118373206-C-T.
Other names: c.6689C>T, p.Thr2230Ile (NM_001412597.1); c.6590C>T, p.Thr2197Ile (NM_005933.4); short protein forms T2197I, T2200I, T2230I.
Identifiers: ClinVar variation 3339698 (VCV003339698.1).
Genomic context (GRCh38, chr11:118,502,491, plus strand): 5'-CAGTAGGTGATCCTTTACTCTCCTCTGGACTTCGAAGCATTGGCTCCAGGCGTCACAGTA[C>T]CTCTTCCTTATCACCCCAGCGGTCCAAACTCCGGATAATGTCTCCAATGAGAACTGGGAA-3'
Protein context (NP_001184033.1, residues 2190-2210): LRSIGSRRHS[Thr2200Ile]SSLSPQRSKL